The following is an entry in ClinVar:

NM_003922.4(HERC1):c.12454G>C (p.Asp4152His)

Gene: HERC1 (HECT and RLD domain containing E3 ubiquitin protein ligase family member 1; minus strand). Cytogenetic location: 15q22.31.
Variant type: single nucleotide variant.
Coding change: c.12454G>C on transcript NM_003922.4 (MANE Select); coding-DNA position 12454, G replaced by C.
Protein change: p.Asp4152His; replaces aspartic acid 4152 with histidine.
Molecular consequence: missense variant.
Genome position (GRCh38, 1-based): chr15:63,634,849, C>G on the plus strand (G>C on the coding strand, the complement: HERC1 is on the minus strand). VCF-style: chr15-63634849-C-G. GRCh37 (hg19) VCF-style: chr15-63927048-C-G.
Other names: short protein forms D4152H.
Identifiers: ClinVar variation 3647352 (VCV003647352.2).

ClinVar aggregate classification (germline): Uncertain significance (1 of 4 stars; one submission).

gnomAD v4.1: 1 of 1,613,672 alleles (0.000062%); highest among the groups gnomAD compares: Non-Finnish European, 0.000085%; no homozygotes.

Submission:

Labcorp Genetics (formerly Invitae), Labcorp
Classification: Uncertain significance. Last evaluated: 2024-08-08. Review status: criteria provided, single submitter. Criteria: Invitae Variant Classification Sherloc (09022015). Collection method: clinical testing. Allele origin: germline.
Comment: This sequence change replaces aspartic acid, which is acidic and polar, with histidine, which is basic and polar, at codon 4152 of the HERC1 protein (p.Asp4152His). This variant is not present in population databases (gnomAD no frequency). This variant has not been reported in the literature in individuals affected with HERC1-related conditions. Advanced modeling of protein sequence and biophysical properties (such as structural, functional, and spatial information, amino acid conservation, physicochemical variation, residue mobility, and thermodynamic stability) performed at Invitae indicates that this missense variant is not expected to disrupt HERC1 protein function with a negative predictive value of 80%. In summary, the available evidence is currently insufficient to determine the role of this variant in disease. Therefore, it has been classified as a Variant of Uncertain Significance.